The following is an entry in ClinVar:

NM_021930.6(RINT1):c.1088G>A (p.Gly363Asp)

Gene: RINT1 (RAD50 interactor 1; plus strand). Cytogenetic location: 7q22.3.
Variant type: single nucleotide variant.
Coding change: c.1088G>A on transcript NM_021930.6 (MANE Select); coding-DNA position 1088, G replaced by A.
Protein change: p.Gly363Asp; replaces glycine 363 with aspartic acid.
Molecular consequence: missense variant. On other transcripts: non-coding transcript variant (1).
Genome position (GRCh38, 1-based): chr7:105,550,146, G>A. VCF-style: chr7-105550146-G-A. GRCh37 (hg19) VCF-style: chr7-105190593-G-A.
Other names: c.854G>A, p.Gly285Asp (NM_001346599.2); c.65G>A, p.Gly22Asp (NM_001346600.2, NM_001346603.2); c.164G>A, p.Gly55Asp (NM_001346601.2); short protein forms G22D, G363D, G55D, G285D.
Identifiers: ClinVar variation 855805 (VCV000855805.12), dbSNP rs146567094, ClinGen allele CA164057388.

ClinVar aggregate classification (germline): Uncertain significance. Review status: criteria provided, multiple submitters, no conflicts (2 of 4 stars). 2 submissions from 2 submitters: Uncertain significance (2). Last evaluated 2024-02-28.

Allele frequency attached by ClinVar (database versions not stated): gnomAD exomes below 0.00001 and 0.00001; gnomAD 0.00001; TOPMed 0.00001; ESP Exome Variant Server 0.00008.

Submissions (2):

Ambry Genetics
Classification: Uncertain significance. Last evaluated: 2024-02-28. Review status: criteria provided, single submitter. Criteria: Ambry Variant Classification Scheme 2023. Collection method: clinical testing. Allele origin: germline.
Comment: The p.G363D variant (also known as c.1088G>A), located in coding exon 8 of the RINT1 gene, results from a G to A substitution at nucleotide position 1088. The glycine at codon 363 is replaced by aspartic acid, an amino acid with similar properties. This amino acid position is conserved. In addition, this alteration is predicted to be tolerated by in silico analysis. Since supporting evidence is limited at this time, the clinical significance of this alteration remains unclear.

Labcorp Genetics (formerly Invitae), Labcorp
Classification: Uncertain significance. Last evaluated: 2019-04-06. Review status: criteria provided, single submitter. Criteria: Invitae Variant Classification Sherloc (09022015). Collection method: clinical testing. Allele origin: germline.
Comment: This variant is not present in population databases (ExAC no frequency). This sequence change replaces glycine with aspartic acid at codon 363 of the RINT1 protein (p.Gly363Asp). The glycine residue is highly conserved and there is a moderate physicochemical difference between glycine and aspartic acid. This variant has not been reported in the literature in individuals with RINT1-related conditions. Algorithms developed to predict the effect of missense changes on protein structure and function are either unavailable or do not agree on the potential impact of this missense change (SIFT: "Deleterious"; PolyPhen-2: "Benign"; Align-GVGD: "Class C0"). In summary, the available evidence is currently insufficient to determine the role of this variant in disease. Therefore, it has been classified as a Variant of Uncertain Significance.